The following is an entry in ClinVar:

ClinVar aggregate classification (germline): Benign (1 of 4 stars; one submission).

Conditions:
Autosomal dominant nonsyndromic hearing loss 5. Identifiers: Orphanet 90635, MedGen C1832932, MONDO:0010973, OMIM 600994.

Allele frequency attached by ClinVar (database versions not stated): gnomAD exomes 0.03506; 1000 Genomes Project 0.05751; 1000 Genomes Project 30x 0.06059; gnomAD 0.07037 and 0.07350; TOPMed 0.07241.
gnomAD v4.1: 11,906 of 188,320 alleles (6.3%); highest among the groups gnomAD compares: African/African-American, 12%; 502 homozygotes.

Submission:

Illumina Laboratory Services, Illumina
Classification: Benign for Autosomal dominant nonsyndromic hearing loss 5. Last evaluated: 2018-01-13. Review status: criteria provided, single submitter. Criteria: ICSL Variant Classification Criteria 13 December 2019. Collection method: clinical testing. Allele origin: germline.
Comment: This variant was observed in the ICSL laboratory as part of a predisposition screen in an ostensibly healthy population. It had not been previously curated by ICSL or reported in the Human Gene Mutation Database (HGMD: prior to June 1st, 2018), and was therefore a candidate for classification through an automated scoring system. Utilizing variant allele frequency, disease prevalence and penetrance estimates, and inheritance mode, an automated score was calculated to assess if this variant is too frequent to cause the disease. Based on the score and internal cut-off values, a variant classified as benign is not then subjected to further curation. The score for this variant resulted in a classification of benign for this disease.

NM_001127453.2(GSDME):c.*527C>T

Gene: GSDME (gasdermin E; minus strand). Cytogenetic location: 7p15.3.
Variant type: single nucleotide variant.
Coding change: c.*527C>T on transcript NM_001127453.2 (MANE Select); 527 bases downstream of the stop codon, C replaced by T.
Molecular consequence: 3 prime UTR variant.
Genome position (GRCh38, 1-based): chr7:24,698,499, G>A on the plus strand (C>T on the coding strand, the complement: GSDME is on the minus strand). VCF-style: chr7-24698499-G-A. GRCh37 (hg19) VCF-style: chr7-24738118-G-A.
Other names: c.*527C>T (NM_001127454.2, NM_004403.3).
Identifiers: ClinVar variation 359822 (VCV000359822.5), dbSNP rs6957782, ClinGen allele CA10628807.